The following is an entry in ClinVar:

NM_004972.4(JAK2):c.277A>G (p.Arg93Gly)

Genes: INSL6 (insulin like 6; minus strand), JAK2 (Janus kinase 2; plus strand). Cytogenetic location: 9p24.1.
Variant type: single nucleotide variant.
Coding change: c.277A>G on transcript NM_004972.4 (MANE Select); coding-DNA position 277, A replaced by G.
Protein change: p.Arg93Gly; replaces arginine 93 with glycine.
Molecular consequence: missense variant. On other transcripts: 5 prime UTR variant (2), non-coding transcript variant (2).
Genome position (GRCh38, 1-based): chr9:5,029,833, A>G. VCF-style: chr9-5029833-A-G. GRCh37 (hg19) VCF-style: chr9-5029833-A-G.
Other names: c.277A>G, p.Arg93Gly (NM_001322194.2, NM_001322195.2, NM_001322196.2); c.-844A>G (NM_001322198.2, NM_001322199.2); short protein forms R93G.
Identifiers: ClinVar variation 3627548 (VCV003627548.2).

ClinVar aggregate classification (germline): Uncertain significance (1 of 4 stars; one submission).

gnomAD v4.1: 5 of 1,611,246 alleles (0.00031%); highest among the groups gnomAD compares: Admixed American, 0.0083%; no homozygotes.

Submission:

Labcorp Genetics (formerly Invitae), Labcorp
Classification: Uncertain significance. Last evaluated: 2024-06-06. Review status: criteria provided, single submitter. Criteria: Invitae Variant Classification Sherloc (09022015). Collection method: clinical testing. Allele origin: germline.
Comment: This sequence change replaces arginine, which is basic and polar, with glycine, which is neutral and non-polar, at codon 93 of the JAK2 protein (p.Arg93Gly). This variant is present in population databases (rs748095804, gnomAD 0.01%). This variant has not been reported in the literature in individuals affected with JAK2-related conditions. An algorithm developed to predict the effect of missense changes on protein structure and function (PolyPhen-2) suggests that this variant is likely to be tolerated. In summary, the available evidence is currently insufficient to determine the role of this variant in disease. Therefore, it has been classified as a Variant of Uncertain Significance.